The following is an entry in ClinVar:

ClinVar aggregate classification (germline): Likely benign (1 of 4 stars; one submission).

Allele frequency attached by ClinVar (database versions not stated): TOPMed below 0.00001; ExAC 0.00001; gnomAD exomes 0.00001.
gnomAD v4.1: 8 of 1,592,972 alleles (0.0005%); highest among the groups gnomAD compares: Non-Finnish European, 0.00068%; no homozygotes.

Submission:

CeGaT Center for Human Genetics Tuebingen
Classification: Likely benign. Last evaluated: 2022-10-01. Review status: criteria provided, single submitter. Criteria: CeGaT Center For Human Genetics Tuebingen Variant Classification Criteria Version 2. Collection method: clinical testing. Allele origin: germline. Affected: yes. Observed: 1 variant allele.
Comment: CRYBG2: BP4, BP7

NM_001039775.4(CRYBG2):c.1152T>A (p.Thr384=)

Gene: CRYBG2 (crystallin beta-gamma domain containing 2; minus strand). Cytogenetic location: 1p36.11.
Variant type: single nucleotide variant.
Coding change: c.1152T>A on transcript NM_001039775.4 (MANE Select); coding-DNA position 1152, T replaced by A.
Protein change: p.Thr384=; no amino-acid change (threonine 384 retained).
Molecular consequence: synonymous variant.
Genome position (GRCh38, 1-based): chr1:26,345,506, A>T on the plus strand (T>A on the coding strand, the complement: CRYBG2 is on the minus strand). VCF-style: chr1-26345506-A-T. GRCh37 (hg19) VCF-style: chr1-26671997-A-T.
Identifiers: ClinVar variation 2638518 (VCV002638518.24), dbSNP rs769662401, ClinGen allele CA704312.
Genomic context (GRCh38, chr1:26,345,506, plus strand): 5'-GACGGTGGCAGCAGGGGGGTCCACGGGCCCGTCCTTTTTTTTAGGGGGCAGAACAAGGGG[A>T]GTGAGCCGGGCCCCGGGGTGAGTGGGCACCACAGGCTGCTTTGCAGGGTGAGTTAGGCCA-3'
Protein context (NP_001034864.2, residues 374-394): VVPTHPGARL[Thr384=]PLVLPPKKKD